The following is an entry in ClinVar:

NM_006648.4(WNK2):c.1829T>C (p.Leu610Pro)

Gene: WNK2 (WNK lysine deficient protein kinase 2; plus strand). Cytogenetic location: 9q22.31.
Variant type: single nucleotide variant.
Coding change: c.1829T>C on transcript NM_006648.4 (MANE Select); coding-DNA position 1829, T replaced by C.
Protein change: p.Leu610Pro; replaces leucine 610 with proline.
Molecular consequence: missense variant.
Genome position (GRCh38, 1-based): chr9:93,247,829, T>C. VCF-style: chr9-93247829-T-C. GRCh37 (hg19) VCF-style: chr9-96010111-T-C.
Other names: c.1829T>C, p.Leu610Pro (NM_001282394.3); short protein forms L610P.
Identifiers: ClinVar variation 3981725 (VCV003981725.1).
Genomic context (GRCh38, chr9:93,247,829, plus strand): 5'-AGGAGCCGGAGGCCGACCAGCACCTCCTGCCACCTACGTTGCCGACCAGCGCCACCTCCC[T>C]GGCCTGTGAGTGCTCAGGGGTGGGATGGCCATGGGCACCCCTCCCACCTACCCTGCAAAA-3'
Protein context (NP_006639.3, residues 600-620): PPTLPTSATS[Leu610Pro]ASDSTFDSGQ

ClinVar aggregate classification (germline): Uncertain significance (1 of 4 stars; one submission).

Submission:

Ambry Genetics
Classification: Uncertain significance. Last evaluated: 2025-03-26. Review status: criteria provided, single submitter. Criteria: Ambry Variant Classification Scheme 2023. Collection method: clinical testing. Allele origin: germline.
Comment: The p.L610P variant (also known as c.1829T>C), located in coding exon 7 of the WNK2 gene, results from a T to C substitution at nucleotide position 1829. The leucine at codon 610 is replaced by proline, an amino acid with similar properties. This amino acid position is conserved. In addition, the in silico prediction for this alteration is inconclusive. Based on the available evidence, the clinical significance of this variant remains unclear.